The following is an entry in ClinVar:

ClinVar aggregate classification (germline): Uncertain significance (1 of 4 stars; one submission).

Conditions:
Emery-Dreifuss muscular dystrophy (EDMD). Also called: Scapuloperoneal syndrome, X-linked (formerly); Humeroperoneal neuromuscular disease, (formerly). Identifiers: Orphanet 261, MedGen C0410189, MONDO:0016830.

Allele frequency attached by ClinVar (database versions not stated): ExAC 0.00001; gnomAD exomes 0.00001 and 0.00003; gnomAD 0.00002; TOPMed 0.00005.
gnomAD v4.1: 15 of 1,609,522 alleles (0.00093%); highest among the groups gnomAD compares: East Asian, 0.027%; no homozygotes.

Submission:

Labcorp Genetics (formerly Invitae), Labcorp
Classification: Uncertain significance for Emery-Dreifuss muscular dystrophy. Last evaluated: 2020-12-29. Review status: criteria provided, single submitter. Criteria: Invitae Variant Classification Sherloc (09022015). Collection method: clinical testing. Allele origin: germline.
Comment: This sequence change replaces glutamic acid with lysine at codon 273 of the SUN2 protein (p.Glu273Lys). The glutamic acid residue is moderately conserved and there is a small physicochemical difference between glutamic acid and lysine. This variant is present in population databases (rs747536298, ExAC 0.01%). This variant has not been reported in the literature in individuals with SUN2-related conditions. Algorithms developed to predict the effect of missense changes on protein structure and function are either unavailable or do not agree on the potential impact of this missense change (SIFT: "Tolerated"; PolyPhen-2: "Possibly Damaging"; Align-GVGD: "Class C0"). In summary, the available evidence is currently insufficient to determine the role of this variant in disease. Therefore, it has been classified as a Variant of Uncertain Significance.

NM_015374.3(SUN2):c.817G>A (p.Glu273Lys)

Genes: GTPBP1 (GTP binding protein 1; plus strand), SUN2 (Sad1 and UNC84 domain containing 2; minus strand). Cytogenetic location: 22q13.1.
Variant type: single nucleotide variant.
Coding change: c.817G>A on transcript NM_015374.3 (MANE Select); coding-DNA position 817, G replaced by A.
Protein change: p.Glu273Lys; replaces glutamic acid 273 with lysine.
Molecular consequence: missense variant. On other transcripts: intron variant (3).
Genome position (GRCh38, 1-based): chr22:38,742,552, C>T on the plus strand (G>A on the coding strand, the complement: SUN2 is on the minus strand). VCF-style: chr22-38742552-C-T. GRCh37 (hg19) VCF-style: chr22-39138557-C-T.
Other names: c.910G>A, p.Glu304Lys (NM_001394427.1); c.880G>A, p.Glu294Lys (NM_001394428.1, NM_001199579.2); c.862G>A, p.Glu288Lys (NM_001394429.1, NM_001394430.1); c.817G>A, p.Glu273Lys (NM_001199580.2, NM_001394431.1, NM_001394432.1 and 5 more transcripts); c.727G>A, p.Glu243Lys (NM_001394438.1); c.679G>A, p.Glu227Lys (NM_001394439.1, NM_001394440.1, NM_001394441.1); c.325G>A, p.Glu109Lys (NM_001394443.1); c.615-2120G>A (NM_001394444.1, NM_001394445.1); and 1 more; short protein forms E243K, E273K, E294K, E304K, E227K, E109K, E288K.
Identifiers: ClinVar variation 1412466 (VCV001412466.8), dbSNP rs747536298, ClinGen allele CA10235738.